The following is an entry in ClinVar:

ClinVar aggregate classification (germline): Likely benign (1 of 4 stars; one submission).

gnomAD v4.1: 58 of 717,398 alleles (0.0081%); highest among the groups gnomAD compares: African/African-American, 0.082%; no homozygotes.

Submission:

Women's Health and Genetics/Laboratory Corporation of America, LabCorp
Classification: Likely benign. Last evaluated: 2026-01-20. Review status: criteria provided, single submitter. Criteria: LabCorp Variant Classification Summary - May 2015. Collection method: clinical testing. Allele origin: germline.
Comment: Variant summary: OBSL1 c.2953+457C>T is located at a position not widely known to affect splicing. Consensus agreement among computation tools predict no significant impact on normal splicing. However, these predictions have yet to be confirmed by functional studies. The variant allele was found at a frequency of 4.7e-05 in 149856 control chromosomes. The available data on variant occurrences in the general population are insufficient to allow any conclusion about variant significance. To our knowledge, no occurrence of c.2953+457C>T in individuals affected with OBSL1-related conditions and no experimental evidence demonstrating its impact on protein function have been reported. No submitters have cited clinical-significance assessments for this variant to ClinVar. Based on the evidence outlined above, the variant was classified as likely benign.

NM_015311.3(OBSL1):c.2953+457C>T

Gene: OBSL1 (obscurin like cytoskeletal adaptor 1; minus strand). Cytogenetic location: 2q35.
Variant type: single nucleotide variant.
Coding change: c.2953+457C>T on transcript NM_015311.3 (MANE Select); 457 bases into the intron after coding-DNA position 2953, C replaced by T.
Molecular consequence: intron variant. On other transcripts: missense variant (1).
Genome position (GRCh38, 1-based): chr2:219,561,945, G>A on the plus strand (C>T on the coding strand, the complement: OBSL1 is on the minus strand). VCF-style: chr2-219561945-G-A. GRCh37 (hg19) VCF-style: chr2-220426667-G-A.
Other names: c.2953+457C>T (NM_001173431.2); c.3017C>T, p.Pro1006Leu (NM_001173408.2); short protein forms P1006L.
Identifiers: ClinVar variation 4689229 (VCV004689229.1).